The following is an entry in ClinVar:

NM_144997.7(FLCN):c.312T>G (p.Ile104Met)

Gene: FLCN (folliculin; minus strand). Cytogenetic location: 17p11.2.
Variant type: single nucleotide variant.
Coding change: c.312T>G on transcript NM_144997.7 (MANE Select); coding-DNA position 312, T replaced by G.
Protein change: p.Ile104Met; replaces isoleucine 104 with methionine.
Molecular consequence: missense variant.
Genome position (GRCh38, 1-based): chr17:17,226,260, A>C on the plus strand (T>G on the coding strand, the complement: FLCN is on the minus strand). VCF-style: chr17-17226260-A-C. GRCh37 (hg19) VCF-style: chr17-17129574-A-C.
Other names: c.312T>G (NM_144997.5); c.312T>G, p.Ile104Met (NM_001353229.2, NM_001353230.2, NM_001353231.2 and 1 more transcripts); short protein forms I104M.
Identifiers: ClinVar variation 1409295 (VCV001409295.7), dbSNP rs2145012473, ClinGen allele CA398534868.

ClinVar aggregate classification (germline): Uncertain significance. Review status: criteria provided, multiple submitters, no conflicts (2 of 4 stars). 3 submissions from 3 submitters: Uncertain significance (3). Last evaluated 2023-11-14.

Conditions:
Hereditary cancer-predisposing syndrome. Also called: Tumor predisposition; Hereditary neoplastic syndrome; Neoplastic Syndromes, Hereditary; Hereditary Cancer Syndrome. Identifiers: Orphanet 140162, MedGen C0027672, MeSH D009386, MONDO:0015356.
Birt-Hogg-Dube syndrome. Also called: Birt Hogg Dubé syndrome. Identifiers: Orphanet 122, MedGen C0346010, MONDO:0800444.

Submissions (3):

Blueprint Genetics
Classification: Uncertain significance. Last evaluated: 2023-11-14. Review status: criteria provided, single submitter. Criteria: ACMG Guidelines, 2015. Collection method: clinical testing. Allele origin: germline.

Ambry Genetics
Classification: Uncertain significance for Hereditary cancer-predisposing syndrome. Last evaluated: 2023-05-08. Review status: criteria provided, single submitter. Criteria: Ambry Variant Classification Scheme 2023. Collection method: clinical testing. Allele origin: germline.
Comment: The p.I104M variant (also known as c.312T>G), located in coding exon 2 of the FLCN gene, results from a T to G substitution at nucleotide position 312. The isoleucine at codon 104 is replaced by methionine, an amino acid with highly similar properties. This amino acid position is highly conserved in available vertebrate species. In addition, the in silico prediction for this alteration is inconclusive. Since supporting evidence is limited at this time, the clinical significance of this alteration remains unclear.

Labcorp Genetics (formerly Invitae), Labcorp
Classification: Uncertain significance for Birt-Hogg-Dube syndrome. Last evaluated: 2021-09-17. Review status: criteria provided, single submitter. Criteria: Invitae Variant Classification Sherloc (09022015). Collection method: clinical testing. Allele origin: germline.
Comment: This sequence change replaces isoleucine with methionine at codon 104 of the FLCN protein (p.Ile104Met). The isoleucine residue is highly conserved and there is a small physicochemical difference between isoleucine and methionine. This variant is not present in population databases (ExAC no frequency). This variant has not been reported in the literature in individuals with FLCN-related conditions. Algorithms developed to predict the effect of missense changes on protein structure and function are either unavailable or do not agree on the potential impact of this missense change (SIFT: "Tolerated"; PolyPhen-2: "Possibly Damaging"; Align-GVGD: "Class C0"). In summary, the available evidence is currently insufficient to determine the role of this variant in disease. Therefore, it has been classified as a Variant of Uncertain Significance.